The following is an entry in ClinVar:

NM_000256.3(MYBPC3):c.2960T>C (p.Val987Ala)

Gene: MYBPC3 (myosin binding protein C3; minus strand). Cytogenetic location: 11p11.2.
Variant type: single nucleotide variant.
Coding change: c.2960T>C on transcript NM_000256.3 (MANE Select); coding-DNA position 2960, T replaced by C.
Protein change: p.Val987Ala; replaces valine 987 with alanine.
Molecular consequence: missense variant.
Genome position (GRCh38, 1-based): chr11:47,333,956, A>G on the plus strand (T>C on the coding strand, the complement: MYBPC3 is on the minus strand). VCF-style: chr11-47333956-A-G. GRCh37 (hg19) VCF-style: chr11-47355507-A-G.
Other names: short protein forms V987A.
Identifiers: ClinVar variation 4757661 (VCV004757661.1).
Genomic context (GRCh38, chr11:47,333,956, plus strand): 5'-GGGACAGGGAAGGGGGCCAGTCCCACCTGGAAAGGGATGAGAAGGTTCACAGGCTCCCCG[A>G]CCTTCTTCTGAATGGTCTGGCGCAGGTGCCTGGGCAGCTGAAGCCGTGGCCGTTCTGTGG-3'
Protein context (NP_000247.2, residues 977-997): RHLRQTIQKK[Val987Ala]GEPVNLLIPF

ClinVar aggregate classification (germline): Uncertain significance (1 of 4 stars; one submission).

Conditions:
Cardiomyopathy (CMYO). Also called: Cardiomyopathies. Identifiers: Orphanet 167848, MedGen C0878544, MONDO:0004994, HP:0001638. Inheritance: Various modes of inheritance.

Submission:

Color Diagnostics, LLC DBA Color Health
Classification: Uncertain significance for Cardiomyopathy. Last evaluated: 2025-08-07. Review status: criteria provided, single submitter. Criteria: ACMG Guidelines, 2015. Collection method: clinical testing. Allele origin: germline.
Comment: This missense variant replaces valine with alanine at codon 987 of the MYBPC3 protein. Computational prediction suggests that this variant may not impact protein structure and function. To our knowledge, functional studies have not been reported for this variant. This variant has not been reported in individuals affected with MYBPC3-related disorders in the literature. This variant has not been identified in the general population by the Genome Aggregation Database (gnomAD). The available evidence is insufficient to determine the role of this variant in disease conclusively. Therefore, this variant is classified as a Variant of Uncertain Significance.